The following is an entry in ClinVar:

ClinVar aggregate classification (germline): Uncertain significance (1 of 4 stars; one submission).

Allele frequency attached by ClinVar (database versions not stated): ExAC 0.00001; gnomAD 0.00001; gnomAD exomes 0.00001; TOPMed 0.00003; ESP Exome Variant Server 0.00015.
gnomAD v4.1: 11 of 1,614,112 alleles (0.00068%); highest among the groups gnomAD compares: Middle Eastern, 0.016%; no homozygotes.

Submission:

Labcorp Genetics (formerly Invitae), Labcorp
Classification: Uncertain significance. Last evaluated: 2023-10-14. Review status: criteria provided, single submitter. Criteria: Invitae Variant Classification Sherloc (09022015). Collection method: clinical testing. Allele origin: germline.
Comment: This sequence change replaces proline, which is neutral and non-polar, with serine, which is neutral and polar, at codon 199 of the CSF2RB protein (p.Pro199Ser). This variant is present in population databases (rs150587930, gnomAD 0.007%). This variant has not been reported in the literature in individuals affected with CSF2RB-related conditions. Advanced modeling of protein sequence and biophysical properties (such as structural, functional, and spatial information, amino acid conservation, physicochemical variation, residue mobility, and thermodynamic stability) performed at Invitae indicates that this missense variant is not expected to disrupt CSF2RB protein function. In summary, the available evidence is currently insufficient to determine the role of this variant in disease. Therefore, it has been classified as a Variant of Uncertain Significance.

NM_000395.3(CSF2RB):c.595C>T (p.Pro199Ser)

Gene: CSF2RB (colony stimulating factor 2 receptor subunit beta; plus strand). Cytogenetic location: 22q12.3.
Variant type: single nucleotide variant.
Coding change: c.595C>T on transcript NM_000395.3 (MANE Select); coding-DNA position 595, C replaced by T.
Protein change: p.Pro199Ser; replaces proline 199 with serine.
Molecular consequence: missense variant.
Genome position (GRCh38, 1-based): chr22:36,929,684, C>T. VCF-style: chr22-36929684-C-T. GRCh37 (hg19) VCF-style: chr22-37325726-C-T.
Other names: c.595C>T, p.Pro199Ser (NM_001410827.1); short protein forms P199S.
Identifiers: ClinVar variation 3005067 (VCV003005067.3), dbSNP rs150587930, ClinGen allele CA10213524.